The following is an entry in ClinVar:

NM_004525.3(LRP2):c.1202G>C (p.Gly401Ala)

Gene: LRP2 (LDL receptor related protein 2; minus strand). Cytogenetic location: 2q31.1.
Variant type: single nucleotide variant.
Coding change: c.1202G>C on transcript NM_004525.3 (MANE Select); coding-DNA position 1202, G replaced by C.
Protein change: p.Gly401Ala; replaces glycine 401 with alanine.
Molecular consequence: missense variant.
Genome position (GRCh38, 1-based): chr2:169,280,489, C>G on the plus strand (G>C on the coding strand, the complement: LRP2 is on the minus strand). VCF-style: chr2-169280489-C-G. GRCh37 (hg19) VCF-style: chr2-170136999-C-G.
Other names: short protein forms G401A.
Identifiers: ClinVar variation 1403146 (VCV001403146.8), dbSNP rs2105451035, ClinGen allele CA349150563.

ClinVar aggregate classification (germline): Uncertain significance (1 of 4 stars; one submission).

Submission:

Labcorp Genetics (formerly Invitae), Labcorp
Classification: Uncertain significance. Last evaluated: 2021-06-28. Review status: criteria provided, single submitter. Criteria: Invitae Variant Classification Sherloc (09022015). Collection method: clinical testing. Allele origin: germline.
Comment: This sequence change replaces glycine with alanine at codon 401 of the LRP2 protein (p.Gly401Ala). The glycine residue is highly conserved and there is a small physicochemical difference between glycine and alanine. This variant is not present in population databases (ExAC no frequency). This variant has not been reported in the literature in individuals affected with LRP2-related conditions. Advanced modeling of protein sequence and biophysical properties (such as structural, functional, and spatial information, amino acid conservation, physicochemical variation, residue mobility, and thermodynamic stability) performed at Invitae indicates that this missense variant is expected to disrupt LRP2 protein function. In summary, the available evidence is currently insufficient to determine the role of this variant in disease. Therefore, it has been classified as a Variant of Uncertain Significance.